The following is an entry in ClinVar:

ClinVar aggregate classification (germline): Uncertain significance (1 of 4 stars; one submission).

Submission:

Women's Health and Genetics/Laboratory Corporation of America, LabCorp
Classification: Uncertain significance. Last evaluated: 2026-06-22. Review status: criteria provided, single submitter. Criteria: LabCorp Variant Classification Summary - May 2015. Collection method: clinical testing. Allele origin: germline.
Comment: Variant summary: PCDH15 c.4368-3_4378del14 deletes a canonical splice-site in the last intron and is predicted to affect mRNA splicing resulting in a significantly altered protein due to either exon skipping, shortening, or inclusion of intronic material. Variants that disrupt the consensus splice site are a relatively common cause of aberrant splicing and loss of PCDH15 function. The variant allele was found at a frequency of 4e-06 in 251154 control chromosomes. To our knowledge, no occurrence of c.4368-3_4378del14 in individuals affected with PCDH15-related conditions and no experimental evidence demonstrating its impact on protein function have been reported. No submitters have cited clinical-significance assessments for this variant to ClinVar. Based on the evidence outlined above, the variant was classified as uncertain significance.

NM_033056.4(PCDH15):c.4368-3_4378del

Gene: PCDH15 (protocadherin related 15; minus strand). Cytogenetic location: 10q21.1.
Variant type: Deletion.
Coding change: c.4368-3_4378del on transcript NM_033056.4 (MANE Plus Clinical); 3 bases into the intron before coding-DNA position 4368 through coding-DNA position 4378, 14 bases deleted (AAGTCTTTTCCTTC).
Molecular consequence: splice acceptor variant. On other transcripts: intron variant (8).
Genome position (GRCh38, 1-based): chr10:53,823,348-53,823,361, GAAGGAAAAGACTT deleted on the plus strand (AAGTCTTTTCCTTC on the coding strand, the reverse complement: PCDH15 is on the minus strand); deleting any 14 consecutive bases within chr10:53,823,348-53,823,364 gives the same sequence; the c. name uses the placement nearest the transcript's 3' end. VCF-style (leftmost placement, unchanged base first): chr10-53823347-AGAAGGAAAAGACTT-A. GRCh37 (hg19) VCF-style: chr10-55583107-AGAAGGAAAAGACTT-A.
Other names: c.4368-3_4378del14 (NM_033056.4); c.4359-3_4369del (NM_001142766.2); c.4374-3_4384del (NM_001142764.2); c.4389-3_4399del (NM_001142763.2); c.4367+4032_4367+4045del (NM_001354420.2, NM_001354429.2); c.4368-3131_4368-3118del (NM_001384140.1); c.4373+1775_4373+1788del (NM_001142772.2, NM_001142770.3); c.4388+1775_4388+1788del (NM_001142771.2); and 7 more.
Identifiers: ClinVar variation 4887764 (VCV004887764.1).